The following is an entry in ClinVar:

NM_152564.5(VPS13B):c.11838T>A (p.Cys3946Ter)

Gene: VPS13B (vacuolar protein sorting 13 homolog B; plus strand). Cytogenetic location: 8q22.2.
Variant type: single nucleotide variant.
Coding change: c.11838T>A on transcript NM_152564.5 (MANE Select); coding-DNA position 11838, T replaced by A.
Protein change: p.Cys3946Ter; replaces cysteine 3946 with a stop codon.
Molecular consequence: nonsense.
Genome position (GRCh38, 1-based): chr8:99,875,510, T>A. VCF-style: chr8-99875510-T-A. GRCh37 (hg19) VCF-style: chr8-100887738-T-A.
Other names: c.11913T>A, p.Cys3971Ter (NM_017890.5); short protein forms C3946*, C3971*.
Identifiers: ClinVar variation 370292 (VCV000370292.12), dbSNP rs773094891, ClinGen allele CA16041281.

ClinVar aggregate classification (germline): Pathogenic/Likely pathogenic. Review status: criteria provided, multiple submitters, no conflicts (2 of 4 stars). 5 submissions from 5 submitters: Pathogenic (2); Likely pathogenic (2). 1 of the submissions does not count toward it. Last evaluated 2026-01-16.

Conditions:
Cohen syndrome (COH1). Also called: Cutis verticis gyrata, retinitis pigmentosa, and sensorineural deafness; PEPPER SYNDROME. Identifiers: Orphanet 193, MedGen C0265223, MONDO:0008999, OMIM 216550.

Submissions (5):

Women's Health and Genetics/Laboratory Corporation of America, LabCorp
Classification: Pathogenic for Cohen syndrome. Last evaluated: 2026-01-16. Review status: criteria provided, single submitter. Criteria: LabCorp Variant Classification Summary - May 2015. Collection method: clinical testing. Allele origin: germline.
Comment: Variant summary: VPS13B c.11913T>A (p.Cys3971X) results in a premature termination codon in the last exon, predicted to cause a truncation of the encoded protein, however nonsense-mediated decay is not expected to occur. The variant was absent in 251422 control chromosomes. To our knowledge, no occurrence of c.11913T>A in individuals affected with VPS13B-related conditions and no experimental evidence demonstrating its impact on protein function have been reported. At least one downstream variant has been classified as Pathogenic/Likely Pathogenic internally (p.Lys3991Leufs*23), providing evidence that the region altered by the variant is critical to protein function. ClinVar contains an entry for this variant (Variation ID: 370292). Based on the evidence outlined above, the variant was classified as pathogenic.

Labcorp Genetics (formerly Invitae), Labcorp
Classification: Pathogenic for Cohen syndrome. Last evaluated: 2026-01-14. Review status: criteria provided, single submitter. Criteria: Invitae Variant Classification Sherloc (09022015). Collection method: clinical testing. Allele origin: germline.
Comment: This sequence change creates a premature translational stop signal (p.Cys3971*) in the VPS13B gene. While this is not anticipated to result in nonsense mediated decay, it is expected to disrupt the last 52 amino acid(s) of the VPS13B protein. This variant is not present in population databases (gnomAD no frequency). This variant has not been reported in the literature in individuals affected with VPS13B-related conditions. ClinVar contains an entry for this variant (Variation ID: 370292). This variant disrupts a region of the VPS13B protein in which other variant(s) (p.Lys3991Leufs*23) have been determined to be pathogenic (internal data). This suggests that this is a clinically significant region of the protein, and that variants that disrupt it are likely to be disease-causing. For these reasons, this variant has been classified as Pathogenic.

Fulgent Genetics
Classification: Likely pathogenic for Cohen syndrome. Last evaluated: 2024-02-15. Review status: criteria provided, single submitter. Criteria: ACMG Guidelines, 2015. Collection method: clinical testing. Allele origin: germline.

Revvity Omics, Revvity
Classification: Likely pathogenic for Cohen syndrome. Last evaluated: 2022-01-28. Review status: criteria provided, single submitter. Criteria: ACMG Guidelines, 2015. Collection method: clinical testing. Allele origin: germline.

Counsyl
Classification: Likely pathogenic for Cohen syndrome. Last evaluated: 2016-01-04. Review status: no assertion criteria provided. Collection method: clinical testing. Allele origin: unknown. Not counted in ClinVar's aggregate classification.